The following is an entry in ClinVar:

ClinVar aggregate classification (germline): Uncertain significance (1 of 4 stars; one submission).

Conditions:
Cardiomyopathy (CMYO). Also called: Cardiomyopathies. Identifiers: Orphanet 167848, MedGen C0878544, MONDO:0004994, HP:0001638. Inheritance: Various modes of inheritance.

Allele frequency attached by ClinVar (database versions not stated): gnomAD exomes below 0.00001.

Submission:

Color Diagnostics, LLC DBA Color Health
Classification: Uncertain significance for Cardiomyopathy. Last evaluated: 2020-03-03. Review status: criteria provided, single submitter. Criteria: ACMG Guidelines, 2015. Collection method: clinical testing. Allele origin: germline.
Comment: This variant is located in the 3' untraslated region of the DSC2 protein. To our knowledge, functional studies have not been reported for this variant. This variant has not been reported in individuals affected with cardiovascular disorders in the literature. This variant has been identified in 1/251038 chromosomes in the general population by the Genome Aggregation Database (gnomAD). The available evidence is insufficient to determine the role of this variant in disease conclusively. Therefore, this variant is classified as a Variant of Uncertain Significance.

NM_024422.6(DSC2):c.*3G>T

Gene: DSC2 (desmocollin 2; minus strand). Cytogenetic location: 18q12.1.
Variant type: single nucleotide variant.
Coding change: c.*3G>T on transcript NM_024422.6 (MANE Select); 3 bases downstream of the stop codon, G replaced by T.
Molecular consequence: 3 prime UTR variant.
Genome position (GRCh38, 1-based): chr18:31,068,012, C>A on the plus strand (G>T on the coding strand, the complement: DSC2 is on the minus strand). VCF-style: chr18-31068012-C-A. GRCh37 (hg19) VCF-style: chr18-28647978-C-A.
Other names: c.*211G>T (NM_004949.5).
Identifiers: ClinVar variation 918432 (VCV000918432.3), dbSNP rs1239137048, ClinGen allele CA629453052.